The following is an entry in ClinVar:

NM_003638.3(ITGA8):c.1002-7C>G

Gene: ITGA8 (integrin subunit alpha 8; minus strand). Cytogenetic location: 10p13.
Variant type: single nucleotide variant.
Coding change: c.1002-7C>G on transcript NM_003638.3 (MANE Select); 7 bases into the intron before coding-DNA position 1002, C replaced by G.
Molecular consequence: intron variant.
Genome position (GRCh38, 1-based): chr10:15,647,058, G>C on the plus strand (C>G on the coding strand, the complement: ITGA8 is on the minus strand). VCF-style: chr10-15647058-G-C. GRCh37 (hg19) VCF-style: chr10-15689057-G-C.
Other names: c.957-7C>G (NM_001291494.2).
Identifiers: ClinVar variation 2640324 (VCV002640324.24), dbSNP rs1027567855, ClinGen allele CA203489914.

ClinVar aggregate classification (germline): Likely benign (1 of 4 stars; one submission).

Allele frequency attached by ClinVar (database versions not stated): gnomAD 0.00001; gnomAD exomes 0.00001; TOPMed 0.00001.
gnomAD v4.1: 14 of 1,611,402 alleles (0.00087%); highest among the groups gnomAD compares: Non-Finnish European, 0.0011%; no homozygotes.

Submission:

CeGaT Center for Human Genetics Tuebingen
Classification: Likely benign. Last evaluated: 2023-05-01. Review status: criteria provided, single submitter. Criteria: CeGaT Center For Human Genetics Tuebingen Variant Classification Criteria Version 2. Collection method: clinical testing. Allele origin: germline. Affected: yes. Observed: 1 variant allele.
Comment: ITGA8: BP4